The following is an entry in ClinVar:

ClinVar aggregate classification (germline): Benign/Likely benign. Review status: criteria provided, multiple submitters, no conflicts (2 of 4 stars). 7 submissions from 7 submitters: Benign (1); Likely benign (6). Last evaluated 2026-01-28.

Conditions:
CNTNAP2-related disorder. Also called: CNTNAP2-related condition.
Inborn genetic diseases. Identifiers: MedGen C0950123, MeSH D030342.
Cortical dysplasia-focal epilepsy syndrome (PTHSL1). Also called: Pitt-Hopkins-like syndrome 1. Identifiers: Orphanet 163681, Orphanet 221150, MedGen C2750246, MONDO:0012400, OMIM 610042.

Allele frequency attached by ClinVar (database versions not stated): ExAC 0.00013; 1000 Genomes Project 30x 0.00016; gnomAD exomes 0.00016 and 0.00022; gnomAD 0.00019; 1000 Genomes Project 0.00020; ESP Exome Variant Server 0.00023; TOPMed 0.00030.
gnomAD v4.1: 354 of 1,614,106 alleles (0.022%); highest among the groups gnomAD compares: Admixed American, 0.038%; no homozygotes.

Submissions (7):

Labcorp Genetics (formerly Invitae), Labcorp
Classification: Likely benign for Cortical dysplasia-focal epilepsy syndrome. Last evaluated: 2026-01-28. Review status: criteria provided, single submitter. Criteria: Invitae Variant Classification Sherloc (09022015). Collection method: clinical testing. Allele origin: germline.

CeGaT Center for Human Genetics Tuebingen
Classification: Likely benign. Last evaluated: 2025-09-01. Review status: criteria provided, single submitter. Criteria: CeGaT Center For Human Genetics Tuebingen Variant Classification Criteria Version 2. Collection method: clinical testing. Allele origin: germline. Affected: yes. Observed: 2 variant alleles.
Comment: CNTNAP2: BP4, BP7

PreventionGenetics, part of Exact Sciences
Classification: Likely benign for CNTNAP2-related condition. Last evaluated: 2025-06-19. Review status: criteria provided, single submitter. Criteria: ACMG Guidelines, 2015. Collection method: clinical testing. Allele origin: germline.
Comment: This variant is classified as likely benign based on ACMG/AMP sequence variant interpretation guidelines (Richards et al. 2015 PMID: 25741868, with internal and published modifications).

Women's Health and Genetics/Laboratory Corporation of America, LabCorp
Classification: Likely benign. Last evaluated: 2024-12-10. Review status: criteria provided, single submitter. Criteria: LabCorp Variant Classification Summary - May 2015. Collection method: clinical testing. Allele origin: germline.

Blueprint Genetics
Classification: Likely benign. Last evaluated: 2024-11-07. Review status: criteria provided, single submitter. Criteria: ACMG Guidelines, 2015. Collection method: clinical testing. Allele origin: germline.

Ambry Genetics
Classification: Likely benign for Inborn genetic diseases. Last evaluated: 2019-03-18. Review status: criteria provided, single submitter. Criteria: Ambry Variant Classification Scheme 2023. Collection method: clinical testing. Allele origin: germline.

GeneDx
Classification: Benign. Last evaluated: 2014-06-30. Review status: criteria provided, single submitter. Criteria: GeneDx Variant Classification (06012015). Collection method: clinical testing. Allele origin: germline. Affected: yes.
Comment: This variant is considered likely benign or benign based on one or more of the following criteria: it is a conservative change, it occurs at a poorly conserved position in the protein, it is predicted to be benign by multiple in silico algorithms, and/or has population frequency not consistent with disease.

NM_014141.6(CNTNAP2):c.837G>A (p.Val279=)

Gene: CNTNAP2 (contactin associated protein 2; plus strand). Cytogenetic location: 7q35.
Variant type: single nucleotide variant.
Coding change: c.837G>A on transcript NM_014141.6 (MANE Select); coding-DNA position 837, G replaced by A.
Protein change: p.Val279=; no amino-acid change (valine 279 retained).
Molecular consequence: synonymous variant.
Genome position (GRCh38, 1-based): chr7:147,121,061, G>A. VCF-style: chr7-147121061-G-A. GRCh37 (hg19) VCF-style: chr7-146818153-G-A.
Other names: p.V279V:GTG>GTA.
Identifiers: ClinVar variation 205212 (VCV000205212.35), dbSNP rs143507886, ClinGen allele CA314065.